The following is an entry in ClinVar:

ClinVar aggregate classification (germline): Uncertain significance (1 of 4 stars; one submission).

Submission:

GeneDx
Classification: Uncertain significance. Last evaluated: 2025-12-08. Review status: criteria provided, single submitter. Criteria: GeneDx Variant Classification Process June 2021. Collection method: clinical testing. Allele origin: germline.
Comment: Not observed at significant frequency in large population cohorts (gnomAD); In silico analysis supports that this missense variant has a deleterious effect on protein structure/function; Has not been previously published as pathogenic or benign to our knowledge

NM_014874.4(MFN2):c.184A>T (p.Arg62Trp)

Gene: MFN2 (mitofusin 2; plus strand). Cytogenetic location: 1p36.22.
Variant type: single nucleotide variant.
Coding change: c.184A>T on transcript NM_014874.4 (MANE Select); coding-DNA position 184, A replaced by T.
Protein change: p.Arg62Trp; replaces arginine 62 with tryptophan.
Molecular consequence: missense variant.
Genome position (GRCh38, 1-based): chr1:11,992,563, A>T. VCF-style: chr1-11992563-A-T. GRCh37 (hg19) VCF-style: chr1-12052620-A-T.
Other names: c.184A>T, p.Arg62Trp (NM_001127660.2); short protein forms R62W.
Identifiers: ClinVar variation 3776519 (VCV003776519.2).